The following is an entry in ClinVar:

NM_001611.5(ACP5):c.654_658del (p.Cys219fs)

Gene: ACP5 (acid phosphatase 5, tartrate resistant; minus strand). Cytogenetic location: 19p13.2.
Variant type: Deletion.
Coding change: c.654_658del on transcript NM_001611.5 (MANE Select); coding-DNA positions 654 to 658, 5 bases deleted (CTGCC; older notation c.654_658delCTGCC).
Protein change: p.Cys219fs; shifts the reading frame from cysteine 219.
Molecular consequence: frameshift variant.
Genome position (GRCh38, 1-based): chr19:11,576,320-11,576,324, GGCAG deleted on the plus strand (CTGCC on the coding strand, the reverse complement: ACP5 is on the minus strand). VCF-style (leftmost placement, unchanged base first): chr19-11576319-AGGCAG-A. GRCh37 (hg19) VCF-style: chr19-11687134-AGGCAG-A.
Other names: c.654_658del, p.Cys219fs (NM_001111034.3, NM_001111035.3, NM_001111036.3 and 1 more transcripts); short protein forms C219fs.
Identifiers: ClinVar variation 2030290 (VCV002030290.4), dbSNP rs2512725836, ClinGen allele CA2576631547.

ClinVar aggregate classification (germline): Pathogenic (1 of 4 stars; one submission).

Conditions:
Spondyloenchondrodysplasia with immune dysregulation (SPENCDI). Also called: COMBINED IMMUNODEFICIENCY WITH AUTOIMMUNITY AND SPONDYLOMETAPHYSEAL DYSPLASIA; SPONDYLOENCHONDRODYSPLASIA WITH OR WITHOUT IMMUNE DYSREGULATION; ROIFMAN IMMUNOSKELETAL SYNDROME. Identifiers: Orphanet 1855, MedGen C1842763, MONDO:0011939, OMIM 607944.

Allele frequency attached by ClinVar (database versions not stated): gnomAD exomes below 0.00001.

Submission:

Labcorp Genetics (formerly Invitae), Labcorp
Classification: Pathogenic for Spondyloenchondrodysplasia with immune dysregulation. Last evaluated: 2022-09-13. Review status: criteria provided, single submitter. Criteria: Invitae Variant Classification Sherloc (09022015). Collection method: clinical testing. Allele origin: germline.
Comment: For these reasons, this variant has been classified as Pathogenic. This variant disrupts a region of the ACP5 protein in which other variant(s) (p.Cys238Arg) have been determined to be pathogenic (PMID: 26951490). This suggests that this is a clinically significant region of the protein, and that variants that disrupt it are likely to be disease-causing. This variant has not been reported in the literature in individuals affected with ACP5-related conditions. This variant is not present in population databases (gnomAD no frequency). This sequence change creates a premature translational stop signal (p.Cys219Glyfs*30) in the ACP5 gene. While this is not anticipated to result in nonsense mediated decay, it is expected to disrupt the last 107 amino acid(s) of the ACP5 protein.

Literature cited by the submitters: PubMed 26951490.